The following is an entry in ClinVar:

NM_020631.6(PLEKHG5):c.2432G>A (p.Arg811His)

Gene: PLEKHG5 (pleckstrin homology and RhoGEF domain containing G5; minus strand). Cytogenetic location: 1p36.31.
Variant type: single nucleotide variant.
Coding change: c.2432G>A on transcript NM_020631.6 (MANE Select); coding-DNA position 2432, G replaced by A.
Protein change: p.Arg811His; replaces arginine 811 with histidine.
Molecular consequence: missense variant.
Genome position (GRCh38, 1-based): chr1:6,468,404, C>T on the plus strand (G>A on the coding strand, the complement: PLEKHG5 is on the minus strand). VCF-style: chr1-6468404-C-T. GRCh37 (hg19) VCF-style: chr1-6528464-C-T.
Other names: c.2543G>A, p.Arg848His (NM_001042663.3, NM_001265592.2); c.2432G>A, p.Arg811His (NM_001042664.2, NM_001042665.2, NM_001265594.3 and 1 more transcripts); c.2639G>A, p.Arg880His (NM_001265593.2); short protein forms R811H, R880H, R848H.
Identifiers: ClinVar variation 579284 (VCV000579284.7), dbSNP rs891527256, ClinGen allele CA17234108.

ClinVar aggregate classification (germline): Uncertain significance. Review status: criteria provided, multiple submitters, no conflicts (2 of 4 stars). 3 submissions from 3 submitters: Uncertain significance (3). Last evaluated 2024-12-04.

Conditions:
Neuronopathy, distal hereditary motor, autosomal recessive 4. Also called: Autosomal recessive lower motor neuron disease with childhood onset; NEUROPATHY, DISTAL HEREDITARY MOTOR, AUTOSOMAL RECESSIVE 4. Identifiers: Orphanet 206580, MedGen C1970211, MONDO:0012608, OMIM 611067.
Charcot-Marie-Tooth disease recessive intermediate C. Also called: CHARCOT-MARIE-TOOTH NEUROPATHY, RECESSIVE INTERMEDIATE C. Identifiers: Orphanet 369867, MedGen C3809309, MONDO:0014154, OMIM 615376.
Inborn genetic diseases. Identifiers: MedGen C0950123, MeSH D030342.

Allele frequency attached by ClinVar (database versions not stated): gnomAD exomes below 0.00001; gnomAD 0.00003; TOPMed 0.00004.
gnomAD v4.1: 7 of 1,610,898 alleles (0.00043%); highest among the groups gnomAD compares: African/African-American, 0.004%; no homozygotes.

Submissions (3):

GeneDx
Classification: Uncertain significance. Last evaluated: 2024-12-04. Review status: criteria provided, single submitter. Criteria: GeneDx Variant Classification Process June 2021. Collection method: clinical testing. Allele origin: germline. Affected: yes.
Comment: Not observed at significant frequency in large population cohorts (gnomAD); In silico analysis supports that this missense variant has a deleterious effect on protein structure/function; Has not been previously published as pathogenic or benign to our knowledge

Labcorp Genetics (formerly Invitae), Labcorp
Classification: Uncertain significance for Neuronopathy, distal hereditary motor, autosomal recessive 4; Charcot-Marie-Tooth disease recessive intermediate C. Last evaluated: 2021-10-23. Review status: criteria provided, single submitter. Criteria: Invitae Variant Classification Sherloc (09022015). Collection method: clinical testing. Allele origin: germline.
Comment: This sequence change replaces arginine with histidine at codon 811 of the PLEKHG5 protein (p.Arg811His). The arginine residue is moderately conserved and there is a small physicochemical difference between arginine and histidine. This variant is not present in population databases (ExAC no frequency). This variant has not been reported in the literature in individuals affected with PLEKHG5-related conditions. Algorithms developed to predict the effect of missense changes on protein structure and function are either unavailable or do not agree on the potential impact of this missense change (SIFT: "Tolerated"; PolyPhen-2: "Probably Damaging"; Align-GVGD: "Class C0"). In summary, the available evidence is currently insufficient to determine the role of this variant in disease. Therefore, it has been classified as a Variant of Uncertain Significance.

Ambry Genetics
Classification: Uncertain significance for Inborn genetic diseases. Last evaluated: 2019-11-21. Review status: criteria provided, single submitter. Criteria: Ambry Variant Classification Scheme 2023. Collection method: clinical testing. Allele origin: germline.
Comment: The p.R811H variant (also known as c.2432G>A), located in coding exon 19 of the PLEKHG5 gene, results from a G to A substitution at nucleotide position 2432. The arginine at codon 811 is replaced by histidine, an amino acid with highly similar properties. This amino acid position is well conserved in available vertebrate species. In addition, the in silico prediction for this alteration is inconclusive. Since supporting evidence is limited at this time, the clinical significance of this alteration remains unclear.